The following is an entry in ClinVar:

ClinVar aggregate classification (germline): Benign/Likely benign. Review status: criteria provided, multiple submitters, no conflicts (2 of 4 stars). 8 submissions from 7 submitters: Benign (6); Likely benign (2). Last evaluated 2026-02-01.

Conditions:
WFS1-Related Spectrum Disorders.
Wolfram syndrome 1 (WFS1). Identifiers: Orphanet 3463, MedGen C4551693, MONDO:0009101, OMIM 222300.
Autosomal dominant nonsyndromic hearing loss 6 (LFSNHL). Also called: DEAFNESS, AUTOSOMAL DOMINANT 14; DEAFNESS, AUTOSOMAL DOMINANT 6; DEAFNESS, AUTOSOMAL DOMINANT 38; Autosomal dominant nonsyndromic deafness 6; DIDMOAD (Diabetes Insipidus, Diabetes Mellitus, Optic Atrophy, and Deafness). Identifiers: Orphanet 90635, MedGen C1833021, MONDO:0010963, OMIM 600965.

Allele frequency attached by ClinVar (database versions not stated): TOPMed 0.00015; 1000 Genomes Project 30x 0.01156; 1000 Genomes Project 0.01238.
gnomAD v4.1: 4,388 of 1,614,170 alleles (0.27%); highest among the groups gnomAD compares: South Asian, 4.4%; 146 homozygotes.

Submissions (9):

Labcorp Genetics (formerly Invitae), Labcorp
Classification: Benign. Last evaluated: 2026-02-01. Review status: criteria provided, single submitter. Criteria: Invitae Variant Classification Sherloc (09022015). Collection method: clinical testing. Allele origin: germline.

Illumina Laboratory Services, Illumina
Classification: Benign for WFS1-Related Spectrum Disorders. Last evaluated: 2018-01-12. Review status: criteria provided, single submitter. Criteria: ICSL Variant Classification Criteria 13 December 2019. Collection method: clinical testing. Allele origin: germline.
Comment: This variant was observed in the ICSL laboratory as part of a predisposition screen in an ostensibly healthy population. It had not been previously curated by ICSL or reported in the Human Gene Mutation Database (HGMD: prior to June 1st, 2018), and was therefore a candidate for classification through an automated scoring system. Utilizing variant allele frequency, disease prevalence and penetrance estimates, and inheritance mode, an automated score was calculated to assess if this variant is too frequent to cause the disease. Based on the score and internal cut-off values, a variant classified as benign is not then subjected to further curation. The score for this variant resulted in a classification of benign for this disease.

Illumina Laboratory Services, Illumina
Classification: Benign for Autosomal dominant nonsyndromic hearing loss 6. Last evaluated: 2018-01-12. Review status: criteria provided, single submitter. Criteria: ICSL Variant Classification Criteria 13 December 2019. Collection method: clinical testing. Allele origin: germline.
Comment: the same text as in the submission from Illumina Laboratory Services, Illumina above.

Laboratory for Molecular Medicine, Mass General Brigham Personalized Medicine
Classification: Benign. Last evaluated: 2016-01-26. Review status: criteria provided, single submitter. Criteria: LMM Criteria. Collection method: clinical testing. Allele origin: germline. Observed: 5 variant alleles.
Comment: p.Thr378Thr in exon 8 of WFS1: This variant is not expected to have clinical sig nificance because it has been identified in 5% (827/16512) of South Asian chromo somes by the Exome Aggregation Consortium (ExAC; dbSNP rs71530904).

GeneDx
Classification: Benign. Last evaluated: 2015-06-19. Review status: criteria provided, single submitter. Criteria: GeneDx Variant Classification (06012015). Collection method: clinical testing. Allele origin: germline. Affected: yes.
Comment: This variant is considered likely benign or benign based on one or more of the following criteria: it is a conservative change, it occurs at a poorly conserved position in the protein, it is predicted to be benign by multiple in silico algorithms, and/or has population frequency not consistent with disease.

Breakthrough Genomics
Classification: Likely benign. Review status: criteria provided, single submitter. Criteria: ACMG Guidelines, 2015. Collection method: not provided. Allele origin: germline. Inheritance: Autosomal recessive inheritance. Affected: yes.

Clinical Genomics, Uppaluri K&H Personalized Medicine Clinic
Classification: Benign for Wolfram syndrome 1. Review status: criteria provided, single submitter. Criteria: K & H Uppaluri Personalized Medicine Clinic Variant Classification & Assertion Criteria_Updated V.1. Collection method: research. Allele origin: unknown. Inheritance: Autosomal recessive inheritance.
Comment: Potent mutations in WFS1 gene are associated with Wolfram's syndrome, an autosomal recessive condition, which cause diabetes mellitus, diabetes insipidus, deafness and optic atrophy.However no sufficient evidence is found to ascertain the role of this particular variant rs71530904 yet.

PreventionGenetics, part of Exact Sciences
Classification: Likely benign. Review status: criteria provided, single submitter. Criteria: ACMG Guidelines, 2015. Collection method: clinical testing. Allele origin: germline.

Dr. Peter K. Rogan Lab, Western University
No classification provided (evidence only). Condition: Malignant tumor of urinary bladder. Review status: no classification provided. Collection method: in vitro. Allele origin: not applicable. Functional consequence: retained intron. Not counted in ClinVar's aggregate classification.

Literature cited by the submitters: PubMed 20738327 (cited by Clinical Genomics, Uppaluri K&H Personalized Medicine Clinic); PubMed 33879153 (cited by Clinical Genomics, Uppaluri K&H Personalized Medicine Clinic); PubMed 12955714 (cited by Clinical Genomics, Uppaluri K&H Personalized Medicine Clinic); PubMed 18060660 (cited by Clinical Genomics, Uppaluri K&H Personalized Medicine Clinic); PubMed 20301750 (cited by Clinical Genomics, Uppaluri K&H Personalized Medicine Clinic); PubMed 17603484 (cited by Clinical Genomics, Uppaluri K&H Personalized Medicine Clinic).

NM_006005.3(WFS1):c.1134C>A (p.Thr378=)

Gene: WFS1 (wolframin ER transmembrane glycoprotein; plus strand). Cytogenetic location: 4p16.1.
Variant type: single nucleotide variant.
Coding change: c.1134C>A on transcript NM_006005.3 (MANE Select); coding-DNA position 1134, C replaced by A.
Protein change: p.Thr378=; no amino-acid change (threonine 378 retained).
Molecular consequence: synonymous variant.
Genome position (GRCh38, 1-based): chr4:6,300,929, C>A. VCF-style: chr4-6300929-C-A. GRCh37 (hg19) VCF-style: chr4-6302656-C-A.
Other names: c.1134C>A, p.Thr378= (NM_001145853.1).
Identifiers: ClinVar variation 45430 (VCV000045430.23), dbSNP rs71530904, ClinGen allele CA136328.